The following is an entry in ClinVar:

ClinVar aggregate classification (germline): Conflicting classifications of pathogenicity. Review status: criteria provided, conflicting classifications (1 of 4 stars). 2 submissions from 2 submitters: Uncertain significance (1); Likely benign (1). Last evaluated 2025-06-23.

Conditions:
Familial meningioma. Also called: Meningioma, familial, susceptibility to. Identifiers: Orphanet 263662, MedGen C3551915, MONDO:0011789, OMIM 607174.
Hereditary cancer-predisposing syndrome. Also called: Hereditary Cancer Syndrome; Tumor predisposition; Hereditary neoplastic syndrome; Neoplastic Syndromes, Hereditary. Identifiers: Orphanet 140162, MedGen C0027672, MeSH D009386, MONDO:0015356.

Allele frequency attached by ClinVar (database versions not stated): gnomAD exomes below 0.00001; ExAC 0.00001.

Submissions (2):

Ambry Genetics
Classification: Likely benign for Hereditary cancer-predisposing syndrome. Last evaluated: 2025-06-23. Review status: criteria provided, single submitter. Criteria: Ambry Variant Classification Scheme 2023. Collection method: clinical testing. Allele origin: germline.

Labcorp Genetics (formerly Invitae), Labcorp
Classification: Uncertain significance for Familial meningioma. Last evaluated: 2024-10-23. Review status: criteria provided, single submitter. Criteria: Invitae Variant Classification Sherloc (09022015). Collection method: clinical testing. Allele origin: germline.
Comment: This sequence change replaces glutamic acid, which is acidic and polar, with aspartic acid, which is acidic and polar, at codon 302 of the SMARCE1 protein (p.Glu302Asp). This variant is present in population databases (rs760713355, gnomAD 0.0009%). This variant has not been reported in the literature in individuals affected with SMARCE1-related conditions. ClinVar contains an entry for this variant (Variation ID: 1044418). Invitae Evidence Modeling of protein sequence and biophysical properties (such as structural, functional, and spatial information, amino acid conservation, physicochemical variation, residue mobility, and thermodynamic stability) indicates that this missense variant is not expected to disrupt SMARCE1 protein function with a negative predictive value of 80%. In summary, the available evidence is currently insufficient to determine the role of this variant in disease. Therefore, it has been classified as a Variant of Uncertain Significance.

NM_003079.5(SMARCE1):c.906A>C (p.Glu302Asp)

Gene: SMARCE1 (SWI/SNF related BAF chromatin remodeling complex subunit E1; minus strand). Cytogenetic location: 17q21.2.
Variant type: single nucleotide variant.
Coding change: c.906A>C on transcript NM_003079.5 (MANE Select); coding-DNA position 906, A replaced by C.
Protein change: p.Glu302Asp; replaces glutamic acid 302 with aspartic acid.
Molecular consequence: missense variant.
Genome position (GRCh38, 1-based): chr17:40,630,835, T>G on the plus strand (A>C on the coding strand, the complement: SMARCE1 is on the minus strand). VCF-style: chr17-40630835-T-G. GRCh37 (hg19) VCF-style: chr17-38787087-T-G.
Other names: c.906A>C (NM_003079.4); short protein forms E302D.
Identifiers: ClinVar variation 1044418 (VCV001044418.14), dbSNP rs760713355, ClinGen allele CA8545140.